The following is an entry in ClinVar:

NM_014000.3(VCL):c.4C>G (p.Pro2Ala)

Genes: VCL (vinculin; plus strand), LOC130004109 (ATAC-STARR-seq lymphoblastoid active region 3587; plus strand). Cytogenetic location: 10q22.2.
Variant type: single nucleotide variant.
Coding change: c.4C>G on transcript NM_014000.3 (MANE Select); coding-DNA position 4, C replaced by G.
Protein change: p.Pro2Ala; replaces proline 2 with alanine.
Molecular consequence: missense variant.
Genome position (GRCh38, 1-based): chr10:73,998,211, C>G. VCF-style: chr10-73998211-C-G. GRCh37 (hg19) VCF-style: chr10-75757969-C-G.
Other names: c.4C>G, p.Pro2Ala (NM_003373.4); short protein forms P2A.
Identifiers: ClinVar variation 2056170 (VCV002056170.5), dbSNP rs929741279, ClinGen allele CA209683515.

ClinVar aggregate classification (germline): Uncertain significance. Review status: criteria provided, multiple submitters, no conflicts (2 of 4 stars). 2 submissions from 2 submitters: Uncertain significance (2). Last evaluated 2025-09-21.

Conditions:
Dilated cardiomyopathy 1W (CMD1W). Identifiers: Orphanet 154, MedGen C1969639, MONDO:0012667, OMIM 611407.

Allele frequency attached by ClinVar (database versions not stated): gnomAD exomes below 0.00001; TOPMed below 0.00001; gnomAD 0.00001.
gnomAD v4.1: 2 of 1,612,350 alleles (0.00012%); highest among the groups gnomAD compares: Non-Finnish European, 0.00017%; no homozygotes.

Submissions (2):

Labcorp Genetics (formerly Invitae), Labcorp
Classification: Uncertain significance for Dilated cardiomyopathy 1W. Last evaluated: 2025-09-21. Review status: criteria provided, single submitter. Criteria: Invitae Variant Classification Sherloc (09022015). Collection method: clinical testing. Allele origin: germline.
Comment: This sequence change replaces proline, which is neutral and non-polar, with alanine, which is neutral and non-polar, at codon 2 of the VCL protein (p.Pro2Ala). This variant is not present in population databases (gnomAD no frequency). This variant has not been reported in the literature in individuals affected with VCL-related conditions. ClinVar contains an entry for this variant (Variation ID: 2056170). An algorithm developed to predict the effect of missense changes on protein structure and function (PolyPhen-2) suggests that this variant is likely to be disruptive. In summary, the available evidence is currently insufficient to determine the role of this variant in disease. Therefore, it has been classified as a Variant of Uncertain Significance.

GeneDx
Classification: Uncertain significance. Last evaluated: 2022-08-18. Review status: criteria provided, single submitter. Criteria: GeneDx Variant Classification Process June 2021. Collection method: clinical testing. Allele origin: germline. Affected: yes.
Comment: Not observed at significant frequency in large population cohorts (gnomAD); In silico analysis supports that this missense variant has a deleterious effect on protein structure/function; Has not been previously published as pathogenic or benign to our knowledge